The following is an entry in ClinVar:

ClinVar aggregate classification (germline): Uncertain significance (1 of 4 stars; one submission).

Submission:

Labcorp Genetics (formerly Invitae), Labcorp
Classification: Uncertain significance. Last evaluated: 2026-01-24. Review status: criteria provided, single submitter. Criteria: Invitae Variant Classification Sherloc (09022015). Collection method: clinical testing. Allele origin: germline.
Comment: This sequence change replaces arginine, which is basic and polar, with cysteine, which is neutral and slightly polar, at codon 154 of the AHDC1 protein (p.Arg154Cys). This variant is present in population databases (rs757919190, gnomAD 0.003%). This variant has not been reported in the literature in individuals affected with AHDC1-related conditions. An algorithm developed to predict the effect of missense changes on protein structure and function (PolyPhen-2) suggests that this variant is likely to be disruptive. In summary, the available evidence is currently insufficient to determine the role of this variant in disease. Therefore, it has been classified as a Variant of Uncertain Significance.

NM_001371928.1(AHDC1):c.460C>T (p.Arg154Cys)

Gene: AHDC1 (AT-hook DNA binding motif containing 1; minus strand). Cytogenetic location: 1p36.11.
Variant type: single nucleotide variant.
Coding change: c.460C>T on transcript NM_001371928.1 (MANE Select); coding-DNA position 460, C replaced by T.
Protein change: p.Arg154Cys; replaces arginine 154 with cysteine.
Molecular consequence: missense variant.
Genome position (GRCh38, 1-based): chr1:27,551,656, G>A on the plus strand (C>T on the coding strand, the complement: AHDC1 is on the minus strand). VCF-style: chr1-27551656-G-A. GRCh37 (hg19) VCF-style: chr1-27878167-G-A.
Other names: c.460C>T, p.Arg154Cys (NM_001029882.3); short protein forms R154C.
Identifiers: ClinVar variation 4692882 (VCV004692882.1).